The following is an entry in ClinVar:

ClinVar aggregate classification (germline): Uncertain significance (1 of 4 stars; one submission).

Conditions:
Hyperphosphatasia with impaired intellectual development syndrome 2. Also called: Hyperphosphatasia with intellectual disability syndrome 2; GLYCOSYLPHOSPHATIDYLINOSITOL BIOSYNTHESIS DEFECT 6. Identifiers: Orphanet 247262, MedGen C3553637, MONDO:0013882, OMIM 614749.

Allele frequency attached by ClinVar (database versions not stated): ExAC 0.00001; gnomAD exomes 0.00001; TOPMed 0.00001.
gnomAD v4.1: 6 of 1,614,036 alleles (0.00037%); highest among the groups gnomAD compares: African/African-American, 0.0013%; no homozygotes.

Submission:

Labcorp Genetics (formerly Invitae), Labcorp
Classification: Uncertain significance for Hyperphosphatasia with impaired intellectual development syndrome 2. Last evaluated: 2022-02-10. Review status: criteria provided, single submitter. Criteria: Invitae Variant Classification Sherloc (09022015). Collection method: clinical testing. Allele origin: germline.
Comment: In summary, the available evidence is currently insufficient to determine the role of this variant in disease. Therefore, it has been classified as a Variant of Uncertain Significance. This variant has not been reported in the literature in individuals affected with PIGO-related conditions. Algorithms developed to predict the effect of missense changes on protein structure and function (SIFT, PolyPhen-2, Align-GVGD) all suggest that this variant is likely to be tolerated. This sequence change replaces threonine, which is neutral and polar, with isoleucine, which is neutral and non-polar, at codon 900 of the PIGO protein (p.Thr900Ile). This variant is present in population databases (rs770850061, gnomAD 0.007%).

NM_032634.4(PIGO):c.2699C>T (p.Thr900Ile)

Gene: PIGO (phosphatidylinositol glycan anchor biosynthesis class O; minus strand). Cytogenetic location: 9p13.3.
Variant type: single nucleotide variant.
Coding change: c.2699C>T on transcript NM_032634.4 (MANE Select); coding-DNA position 2699, C replaced by T.
Protein change: p.Thr900Ile; replaces threonine 900 with isoleucine.
Molecular consequence: missense variant.
Genome position (GRCh38, 1-based): chr9:35,090,621, G>A on the plus strand (C>T on the coding strand, the complement: PIGO is on the minus strand). VCF-style: chr9-35090621-G-A. GRCh37 (hg19) VCF-style: chr9-35090618-G-A.
Other names: c.1448C>T, p.Thr483Ile (NM_001201484.2, NM_152850.4); short protein forms T483I, T900I.
Identifiers: ClinVar variation 1424088 (VCV001424088.8), dbSNP rs770850061, ClinGen allele CA5040349.